The following is an entry in ClinVar:

ClinVar aggregate classification (germline): Pathogenic/Likely pathogenic. Review status: criteria provided, multiple submitters, no conflicts (2 of 4 stars). 4 submissions from 4 submitters: Pathogenic (2); Likely pathogenic (1). 1 of the submissions does not count toward it. Last evaluated 2026-04-17.

Conditions:
CEP290-related ciliopathy. Also called: CEP290 ciliopathy. Identifiers: MedGen CN305601, MONDO:0100451.
Meckel syndrome, type 4 (MKS4). Also called: MECKEL-GRUBER SYNDROME, TYPE 4. Identifiers: Orphanet 564, MedGen C1970161, MONDO:0012626, OMIM 611134.
Leber congenital amaurosis (LCA). Also called: Leber's amaurosis. Identifiers: Orphanet 65, MedGen C0339527, MeSH D057130, MONDO:0018998.
Bardet-Biedl syndrome 14 (BBS14). Identifiers: Orphanet 110, MedGen C2673874, MONDO:0014442, OMIM 615991.

Submissions (4):

Myriad Genetics, Inc.
Classification: Likely pathogenic for CEP290-related ciliopathy. Last evaluated: 2026-04-17. Review status: criteria provided, single submitter. Criteria: Myriad Autosomal Dominant, Autosomal Recessive and X-Linked Classification Criteria (2023). Collection method: clinical testing. Allele origin: unknown.
Comment: NM_025114.3(CEP290):c.1910-11T>G is an intronic variant classified as likely pathogenic in the context of CEP290-related disorders. c.1910-11T>G has been observed in cases with relevant disease (PMID: 28714225, 36990420, 36493848). Relevant functional assessments of this variant are not available in the literature. c.1910-11T>G has not been observed in referenced population frequency databases. In summary, NM_025114.3(CEP290):c.1910-11T>G is an intronic variant that has been observed more frequently in cases with the relevant disease than in healthy populations. Please note: this variant was assessed in the context of healthy population screening.

Women's Health and Genetics/Laboratory Corporation of America, LabCorp
Classification: Pathogenic for Meckel syndrome, type 4. Last evaluated: 2024-10-18. Review status: criteria provided, single submitter. Criteria: LabCorp Variant Classification Summary - May 2015. Collection method: clinical testing. Allele origin: germline.
Comment: Variant summary: CEP290 c.1910-11T>G alters a conserved nucleotide located at a position not widely known to affect splicing. Several computational tools predict a significant impact on normal splicing: Three predict the variant creates a 5' donor site. At least one publication reports experimental evidence that this variant affects mRNA splicing by causing exon skipping in an in vitro splicing assay (Soens_2017). The variant was absent in 146068 control chromosomes. c.1910-11T>G has been reported in the literature in compound heterozygous individuals affected with Meckel Syndrome Type 4 (Soens_2017, Wang_2023, Zhu_2023)). These data indicate that the variant is likely to be associated with disease. The following publications have been ascertained in the context of this evaluation (PMID: 28714225, 36990420, 36493848). ClinVar contains an entry for this variant (Variation ID: 427860). Based on the evidence outlined above, the variant was classified as pathogenic.

Baylor Genetics
Classification: Pathogenic for Bardet-Biedl syndrome 14. Last evaluated: 2023-08-28. Review status: criteria provided, single submitter. Criteria: ACMG Guidelines, 2015. Collection method: clinical testing. Allele origin: unknown.

Rui Chen Lab, Baylor College of Medicine
Classification: Pathogenic for Leber congenital amaurosis. Last evaluated: 2017-05-09. Review status: no assertion criteria provided. Collection method: research. Allele origin: germline. Affected: yes. Not counted in ClinVar's aggregate classification.
Comment: An in vitrominigene system was used to confirm that the variant disrupts splicing

Literature cited by the submitters: PubMed 28714225 (cited by Myriad Genetics, Inc. and Women's Health and Genetics/Laboratory Corporation of America, LabCorp); PubMed 36493848 (cited by Myriad Genetics, Inc. and Women's Health and Genetics/Laboratory Corporation of America, LabCorp); PubMed 36990420 (cited by Myriad Genetics, Inc. and Women's Health and Genetics/Laboratory Corporation of America, LabCorp).

NM_025114.4(CEP290):c.1910-11T>G

Gene: CEP290 (centrosomal protein 290; minus strand). Cytogenetic location: 12q21.32.
Variant type: single nucleotide variant.
Coding change: c.1910-11T>G on transcript NM_025114.4 (MANE Select); 11 bases into the intron before coding-DNA position 1910, T replaced by G.
Molecular consequence: intron variant.
Genome position (GRCh38, 1-based): chr12:88,114,573, A>C on the plus strand (T>G on the coding strand, the complement: CEP290 is on the minus strand). VCF-style: chr12-88114573-A-C. GRCh37 (hg19) VCF-style: chr12-88508350-A-C.
Identifiers: ClinVar variation 427860 (VCV000427860.5), dbSNP rs1555220638, ClinGen allele CA658656314.